The following is an entry in ClinVar:

ClinVar aggregate classification (germline): Uncertain significance (1 of 4 stars; one submission).

Conditions:
Brugada syndrome 8 (BRGDA8). Identifiers: Orphanet 130, MedGen C2751083, MONDO:0013148, OMIM 613123.

Submission:

Labcorp Genetics (formerly Invitae), Labcorp
Classification: Uncertain significance for Brugada syndrome 8. Last evaluated: 2024-03-06. Review status: criteria provided, single submitter. Criteria: Invitae Variant Classification Sherloc (09022015). Collection method: clinical testing. Allele origin: germline.
Comment: This sequence change replaces alanine, which is neutral and non-polar, with valine, which is neutral and non-polar, at codon 81 of the HCN4 protein (p.Ala81Val). This variant is not present in population databases (gnomAD no frequency). This variant has not been reported in the literature in individuals affected with HCN4-related conditions. Advanced modeling of protein sequence and biophysical properties (such as structural, functional, and spatial information, amino acid conservation, physicochemical variation, residue mobility, and thermodynamic stability) performed at Invitae indicates that this missense variant is not expected to disrupt HCN4 protein function with a negative predictive value of 95%. In summary, the available evidence is currently insufficient to determine the role of this variant in disease. Therefore, it has been classified as a Variant of Uncertain Significance.

NM_005477.3(HCN4):c.242C>T (p.Ala81Val)

Gene: HCN4 (hyperpolarization activated cyclic nucleotide gated potassium channel 4; minus strand). Cytogenetic location: 15q24.1.
Variant type: single nucleotide variant.
Coding change: c.242C>T on transcript NM_005477.3 (MANE Select); coding-DNA position 242, C replaced by T.
Protein change: p.Ala81Val; replaces alanine 81 with valine.
Molecular consequence: missense variant.
Genome position (GRCh38, 1-based): chr15:73,368,029, G>A on the plus strand (C>T on the coding strand, the complement: HCN4 is on the minus strand). VCF-style: chr15-73368029-G-A. GRCh37 (hg19) VCF-style: chr15-73660370-G-A.
Other names: short protein forms A81V.
Identifiers: ClinVar variation 3636623 (VCV003636623.2).